The following is an entry in ClinVar:

NM_001458.5(FLNC):c.6178G>A (p.Ala2060Thr)

Genes: FLNC-AS1 (FLNC antisense RNA 1; minus strand), FLNC (filamin C; plus strand). Cytogenetic location: 7q32.1.
Variant type: single nucleotide variant.
Coding change: c.6178G>A on transcript NM_001458.5 (MANE Select); coding-DNA position 6178, G replaced by A.
Protein change: p.Ala2060Thr; replaces alanine 2060 with threonine.
Molecular consequence: missense variant.
Genome position (GRCh38, 1-based): chr7:128,853,001, G>A. VCF-style: chr7-128853001-G-A. GRCh37 (hg19) VCF-style: chr7-128493055-G-A.
Other names: c.6079G>A, p.Ala2027Thr (NM_001127487.2); short protein forms A2027T, A2060T.
Identifiers: ClinVar variation 2936925 (VCV002936925.3), dbSNP rs2536660551, ClinGen allele CA369211575.

ClinVar aggregate classification (germline): Uncertain significance (1 of 4 stars; one submission).

Conditions:
Hypertrophic cardiomyopathy 26. Also called: Cardiomyopathy, familial hypertrophic, 26. Identifiers: Orphanet 75249, MedGen C4310749, MONDO:0014883, OMIM 617047.
Myofibrillar myopathy 5. Also called: Filaminopathy (type); FILAMINOPATHY, AUTOSOMAL DOMINANT. Identifiers: Orphanet 171445, MedGen C1836050, MONDO:0012289, OMIM 609524.
Distal myopathy with posterior leg and anterior hand involvement. Also called: WILLIAMS DISTAL MYOPATHY. Identifiers: Orphanet 63273, MedGen C3279722, MONDO:0013550, OMIM 614065.

Submission:

Labcorp Genetics (formerly Invitae), Labcorp
Classification: Uncertain significance for Distal myopathy with posterior leg and anterior hand involvement; Myofibrillar myopathy 5; Hypertrophic cardiomyopathy 26. Last evaluated: 2023-07-22. Review status: criteria provided, single submitter. Criteria: Invitae Variant Classification Sherloc (09022015). Collection method: clinical testing. Allele origin: germline.
Comment: In summary, the available evidence is currently insufficient to determine the role of this variant in disease. Therefore, it has been classified as a Variant of Uncertain Significance. Advanced modeling of protein sequence and biophysical properties (such as structural, functional, and spatial information, amino acid conservation, physicochemical variation, residue mobility, and thermodynamic stability) has been performed at Invitae for this missense variant, however the output from this modeling did not meet the statistical confidence thresholds required to predict the impact of this variant on FLNC protein function. This variant has not been reported in the literature in individuals affected with FLNC-related conditions. This variant is not present in population databases (gnomAD no frequency). This sequence change replaces alanine, which is neutral and non-polar, with threonine, which is neutral and polar, at codon 2060 of the FLNC protein (p.Ala2060Thr).